The following is an entry in ClinVar:

ClinVar aggregate classification (germline): Uncertain significance (1 of 4 stars; one submission).

Conditions:
GTP cyclohydrolase I deficiency. Identifiers: MedGen C0268467, MONDO:0100184.
Dystonia 5 (DRD). Also called: DYT-GCH1; DYSTONIA, PROGRESSIVE, WITH DIURNAL VARIATION; DYSTONIA-PARKINSONISM WITH DIURNAL FLUCTUATION; GTP Cyclohydrolase 1-Deficient Dopa-Responsive Dystonia; Dystonia, DOPA-responsive, with or without hyperphenylalaninemia. Identifiers: Orphanet 98808, MedGen C1851920, MONDO:0007495, OMIM 128230.

Allele frequency attached by ClinVar (database versions not stated): TOPMed below 0.00001; gnomAD exomes 0.00001.
gnomAD v4.1: 7 of 1,550,500 alleles (0.00045%); highest among the groups gnomAD compares: South Asian, 0.0033%; 1 homozygote.

Submission:

Labcorp Genetics (formerly Invitae), Labcorp
Classification: Uncertain significance for GTP cyclohydrolase I deficiency; Dystonia 5. Last evaluated: 2025-10-21. Review status: criteria provided, single submitter. Criteria: Invitae Variant Classification Sherloc (09022015). Collection method: clinical testing. Allele origin: germline.
Comment: This sequence change replaces isoleucine, which is neutral and non-polar, with valine, which is neutral and non-polar, at codon 121 of the GCH1 protein (p.Ile121Val). This variant is present in population databases (no rsID available, gnomAD 0.007%). This variant has not been reported in the literature in individuals affected with GCH1-related conditions. ClinVar contains an entry for this variant (Variation ID: 2926135). Invitae Evidence Modeling of protein sequence and biophysical properties (such as structural, functional, and spatial information, amino acid conservation, physicochemical variation, residue mobility, and thermodynamic stability) indicates that this missense variant is not expected to disrupt GCH1 protein function with a negative predictive value of 80%. In summary, the available evidence is currently insufficient to determine the role of this variant in disease. Therefore, it has been classified as a Variant of Uncertain Significance.

NM_000161.3(GCH1):c.361A>G (p.Ile121Val)

Gene: GCH1 (GTP cyclohydrolase 1; minus strand). Cytogenetic location: 14q22.2.
Variant type: single nucleotide variant.
Coding change: c.361A>G on transcript NM_000161.3 (MANE Select); coding-DNA position 361, A replaced by G.
Protein change: p.Ile121Val; replaces isoleucine 121 with valine.
Molecular consequence: missense variant.
Genome position (GRCh38, 1-based): chr14:54,865,419, T>C on the plus strand (A>G on the coding strand, the complement: GCH1 is on the minus strand). VCF-style: chr14-54865419-T-C. GRCh37 (hg19) VCF-style: chr14-55332137-T-C.
Other names: c.361A>G, p.Ile121Val (NM_001024071.2, NM_001424104.1, NM_001024024.2 and 1 more transcripts); c.67A>G, p.Ile23Val (NM_001424105.1); short protein forms I121V, I23V.
Identifiers: ClinVar variation 2926135 (VCV002926135.3), dbSNP rs1447471890, ClinGen allele CA389790261.